The following is an entry in ClinVar:

NM_020921.4(NIN):c.6043C>A (p.Leu2015Ile)

Gene: NIN (ninein; minus strand). Cytogenetic location: 14q22.1.
Variant type: single nucleotide variant.
Coding change: c.6043C>A on transcript NM_020921.4 (MANE Select); coding-DNA position 6043, C replaced by A.
Protein change: p.Leu2015Ile; replaces leucine 2015 with isoleucine.
Molecular consequence: missense variant.
Genome position (GRCh38, 1-based): chr14:50,729,558, G>T on the plus strand (C>A on the coding strand, the complement: NIN is on the minus strand). VCF-style: chr14-50729558-G-T. GRCh37 (hg19) VCF-style: chr14-51196276-G-T.
Other names: c.3904C>A, p.Leu1302Ile (NM_016350.5); c.6043C>A, p.Leu2015Ile (NM_182944.3, NM_182946.2); short protein forms L1302I, L2015I.
Identifiers: ClinVar variation 2828771 (VCV002828771.3), dbSNP rs1375910771, ClinGen allele CA389672865.

ClinVar aggregate classification (germline): Uncertain significance (1 of 4 stars; one submission).

Allele frequency attached by ClinVar (database versions not stated): TOPMed below 0.00001.

Submission:

Labcorp Genetics (formerly Invitae), Labcorp
Classification: Uncertain significance. Last evaluated: 2023-03-04. Review status: criteria provided, single submitter. Criteria: Invitae Variant Classification Sherloc (09022015). Collection method: clinical testing. Allele origin: germline.
Comment: An algorithm developed to predict the effect of missense changes on protein structure and function (PolyPhen-2) suggests that this variant is likely to be disruptive. In summary, the available evidence is currently insufficient to determine the role of this variant in disease. Therefore, it has been classified as a Variant of Uncertain Significance. This variant has not been reported in the literature in individuals affected with NIN-related conditions. This variant is not present in population databases (gnomAD no frequency). This sequence change replaces leucine, which is neutral and non-polar, with isoleucine, which is neutral and non-polar, at codon 2015 of the NIN protein (p.Leu2015Ile).